The following is an entry in ClinVar:

ClinVar aggregate classification (germline): Uncertain significance (1 of 4 stars; one submission).

Conditions:
Hereditary pancreatitis (PCTT). Also called: Hereditary chronic pancreatitis; PRSS1-Related Hereditary Pancreatitis. Identifiers: Orphanet 676, MedGen C0238339, MONDO:0008185, OMIM 167800.

Submission:

Ambry Genetics
Classification: Uncertain significance for Hereditary pancreatitis. Last evaluated: 2023-12-02. Review status: criteria provided, single submitter. Criteria: Ambry Variant Classification Scheme 2023. Collection method: clinical testing. Allele origin: germline.
Comment: The p.S134N variant (also known as c.401G>A), located in coding exon 5 of the CTRC gene, results from a G to A substitution at nucleotide position 401. The serine at codon 134 is replaced by asparagine, an amino acid with highly similar properties. This amino acid position is conserved. In addition, this alteration is predicted to be tolerated by in silico analysis. Since supporting evidence is limited at this time, the clinical significance of this alteration remains unclear.

NM_007272.3(CTRC):c.401G>A (p.Ser134Asn)

Gene: CTRC (chymotrypsin C; plus strand). Cytogenetic location: 1p36.21.
Variant type: single nucleotide variant.
Coding change: c.401G>A on transcript NM_007272.3 (MANE Select); coding-DNA position 401, G replaced by A.
Protein change: p.Ser134Asn; replaces serine 134 with asparagine.
Molecular consequence: missense variant.
Genome position (GRCh38, 1-based): chr1:15,443,463, G>A. VCF-style: chr1-15443463-G-A. GRCh37 (hg19) VCF-style: chr1-15769958-G-A.
Other names: short protein forms S134N.
Identifiers: ClinVar variation 3226071 (VCV003226071.1), dbSNP rs2526297152, ClinGen allele CA338566073.